The following is an entry in ClinVar:

NM_023014.1(PRAMEF2):c.21G>C (p.Pro7=)

Gene: PRAMEF2 (PRAME family member 2; plus strand). Cytogenetic location: 1p36.21.
Variant type: single nucleotide variant.
Coding change: c.21G>C on transcript NM_023014.1 (MANE Select); coding-DNA position 21, G replaced by C.
Protein change: p.Pro7=; no amino-acid change (proline 7 retained).
Molecular consequence: synonymous variant.
Genome position (GRCh38, 1-based): chr1:12,859,030, G>C. VCF-style: chr1-12859030-G-C. GRCh37 (hg19) VCF-style: chr1-12918885-G-C.
Identifiers: ClinVar variation 2638268 (VCV002638268.24), dbSNP rs17404792, ClinGen allele CA607834.

ClinVar aggregate classification (germline): Likely benign (1 of 4 stars; one submission).

Allele frequency attached by ClinVar (database versions not stated): 1000 Genomes Project 30x 0.00921.

Submission:

CeGaT Center for Human Genetics Tuebingen
Classification: Likely benign. Last evaluated: 2025-10-01. Review status: criteria provided, single submitter. Criteria: CeGaT Center For Human Genetics Tuebingen Variant Classification Criteria Version 2. Collection method: clinical testing. Allele origin: germline. Affected: yes. Observed: 2 variant alleles.
Comment: PRAMEF2: BP4, BP7, BS2